The following is an entry in ClinVar:

NM_015178.3(RHOBTB2):c.1043G>A (p.Cys348Tyr)

Gene: RHOBTB2 (Rho related BTB domain containing 2; plus strand). Cytogenetic location: 8p21.3.
Variant type: single nucleotide variant.
Coding change: c.1043G>A on transcript NM_015178.3 (MANE Select); coding-DNA position 1043, G replaced by A.
Protein change: p.Cys348Tyr; replaces cysteine 348 with tyrosine.
Molecular consequence: missense variant.
Genome position (GRCh38, 1-based): chr8:23,007,288, G>A. VCF-style: chr8-23007288-G-A. GRCh37 (hg19) VCF-style: chr8-22864801-G-A.
Other names: c.1109G>A, p.Cys370Tyr (NM_001160036.2); c.1064G>A, p.Cys355Tyr (NM_001160037.2); c.1043G>A, p.Cys348Tyr (NM_001374791.1); short protein forms C348Y, C355Y, C370Y.
Identifiers: ClinVar variation 3373598 (VCV003373598.1).

ClinVar aggregate classification (germline): Uncertain significance (1 of 4 stars; one submission).

Submission:

GeneDx
Classification: Uncertain significance. Last evaluated: 2024-03-11. Review status: criteria provided, single submitter. Criteria: GeneDx Variant Classification Process June 2021. Collection method: clinical testing. Allele origin: germline. Affected: yes.
Comment: Not observed at significant frequency in large population cohorts (gnomAD); In silico analysis supports that this missense variant does not alter protein structure/function; Has not been previously published as pathogenic or benign to our knowledge